The following is an entry in ClinVar:

NM_004329.3(BMPR1A):c.722G>A (p.Gly241Asp)

Gene: BMPR1A (bone morphogenetic protein receptor type 1A; plus strand). Cytogenetic location: 10q23.2.
Variant type: single nucleotide variant.
Coding change: c.722G>A on transcript NM_004329.3 (MANE Select); coding-DNA position 722, G replaced by A.
Protein change: p.Gly241Asp; replaces glycine 241 with aspartic acid.
Molecular consequence: missense variant.
Genome position (GRCh38, 1-based): chr10:86,917,180, G>A. VCF-style: chr10-86917180-G-A. GRCh37 (hg19) VCF-style: chr10-88676937-G-A.
Other names: short protein forms G241D.
Identifiers: ClinVar variation 485371 (VCV000485371.6), dbSNP rs1554890758, ClinGen allele CA377457272.

ClinVar aggregate classification (germline): Uncertain significance (1 of 4 stars; one submission).

Conditions:
Hereditary cancer-predisposing syndrome. Also called: Neoplastic Syndromes, Hereditary; Hereditary neoplastic syndrome; Hereditary Cancer Syndrome; Tumor predisposition. Identifiers: Orphanet 140162, MedGen C0027672, MeSH D009386, MONDO:0015356.

Submission:

Ambry Genetics
Classification: Uncertain significance for Hereditary cancer-predisposing syndrome. Last evaluated: 2026-07-16. Review status: criteria provided, single submitter. Criteria: Ambry Variant Classification Scheme 2023. Collection method: clinical testing. Allele origin: germline.
Comment: The p.G241D variant (also known as c.722G>A), located in coding exon 7 of the BMPR1A gene, results from a G to A substitution at nucleotide position 722. The glycine at codon 241 is replaced by aspartic acid, an amino acid with similar properties. This amino acid position is highly conserved in available vertebrate species. In addition, this alteration is predicted to be deleterious by in silico analysis. Based on the available evidence, the clinical significance of this variant remains unclear.